The following is an entry in ClinVar:

NM_004525.3(LRP2):c.*407T>A

Gene: LRP2 (LDL receptor related protein 2; minus strand). Cytogenetic location: 2q31.1.
Variant type: single nucleotide variant.
Coding change: c.*407T>A on transcript NM_004525.3 (MANE Select); 407 bases downstream of the stop codon, T replaced by A.
Molecular consequence: 3 prime UTR variant.
Genome position (GRCh38, 1-based): chr2:169,128,256, A>T on the plus strand (T>A on the coding strand, the complement: LRP2 is on the minus strand). VCF-style: chr2-169128256-A-T. GRCh37 (hg19) VCF-style: chr2-169984766-A-T.
Identifiers: ClinVar variation 894578 (VCV000894578.4), dbSNP rs145253443, ClinGen allele CA59910992.
Genomic context (GRCh38, chr2:169,128,256, plus strand): 5'-ATGTGTAAAAATGGACCCAAGAGCGGGGCCTGGATTCCTTTCCTAGATAATTTTATAGGA[A>T]ATATGAGTGGTGCCTCTTCTTTAGACACGGCTAAAGGTCCCCAGTCAATTCCTTTTCTTG-3'

ClinVar aggregate classification (germline): Likely benign (1 of 4 stars; one submission).

Conditions:
Donnai-Barrow syndrome. Also called: DBS/FOAR SYNDROME; FACIOOCULOACOUSTICORENAL SYNDROME. Identifiers: Orphanet 2143, MedGen C1857277, MONDO:0009104, OMIM 222448.

Allele frequency attached by ClinVar (database versions not stated): 1000 Genomes Project 0.00260; 1000 Genomes Project 30x 0.00281; gnomAD 0.00659 and 0.00691; TOPMed 0.00702; gnomAD exomes 0.01007.
gnomAD v4.1: 1,307 of 182,330 alleles (0.72%); highest among the groups gnomAD compares: Non-Finnish European, 1.1%; 9 homozygotes.

Submission:

Illumina Laboratory Services, Illumina
Classification: Likely benign for Donnai-Barrow syndrome. Last evaluated: 2018-01-13. Review status: criteria provided, single submitter. Criteria: ICSL Variant Classification Criteria 13 December 2019. Collection method: clinical testing. Allele origin: germline.
Comment: This variant was observed in the ICSL laboratory as part of a predisposition screen in an ostensibly healthy population. It had not been previously curated by ICSL or reported in the Human Gene Mutation Database (HGMD: prior to June 1st, 2018), and was therefore a candidate for classification through an automated scoring system. Utilizing variant allele frequency, disease prevalence and penetrance estimates, and inheritance mode, an automated score was calculated to assess if this variant is too frequent to cause the disease. Based on the score and internal cut-off values, a variant classified as likely benign is not then subjected to further curation. The score for this variant resulted in a classification of likely benign for this disease.